The following is an entry in ClinVar:

ClinVar aggregate classification (germline): Uncertain significance (1 of 4 stars; one submission).

Allele frequency attached by ClinVar (database versions not stated): ExAC 0.00001; gnomAD 0.00001; gnomAD exomes 0.00001; TOPMed 0.00001.
gnomAD v4.1: 17 of 1,579,954 alleles (0.0011%); highest among the groups gnomAD compares: Middle Eastern, 0.017%; no homozygotes.

Submission:

Labcorp Genetics (formerly Invitae), Labcorp
Classification: Uncertain significance. Last evaluated: 2022-10-17. Review status: criteria provided, single submitter. Criteria: Invitae Variant Classification Sherloc (09022015). Collection method: clinical testing. Allele origin: germline.
Comment: This variant has not been reported in the literature in individuals affected with PCLO-related conditions. In summary, the available evidence is currently insufficient to determine the role of this variant in disease. Therefore, it has been classified as a Variant of Uncertain Significance. Algorithms developed to predict the effect of missense changes on protein structure and function are either unavailable or do not agree on the potential impact of this missense change (SIFT: "Deleterious"; PolyPhen-2: "Not Available"; Align-GVGD: "Class C0"). The frequency data for this variant in the population databases is considered unreliable, as metrics indicate poor data quality at this position in the gnomAD database. This sequence change replaces glutamine, which is neutral and polar, with lysine, which is basic and polar, at codon 5025 of the PCLO protein (p.Gln5025Lys).

NM_033026.6(PCLO):c.15073C>A (p.Gln5025Lys)

Gene: PCLO (piccolo presynaptic cytomatrix protein; minus strand). Cytogenetic location: 7q21.11.
Variant type: single nucleotide variant.
Coding change: c.15073C>A on transcript NM_033026.6 (MANE Select); coding-DNA position 15073, C replaced by A.
Protein change: p.Gln5025Lys; replaces glutamine 5025 with lysine.
Molecular consequence: missense variant.
Genome position (GRCh38, 1-based): chr7:82,761,428, G>T on the plus strand (C>A on the coding strand, the complement: PCLO is on the minus strand). VCF-style: chr7-82761428-G-T. GRCh37 (hg19) VCF-style: chr7-82390744-G-T.
Other names: short protein forms Q5025K.
Identifiers: ClinVar variation 2094374 (VCV002094374.4), dbSNP rs760860025, ClinGen allele CA4318626.
Genomic context (GRCh38, chr7:82,761,428, plus strand): 5'-GATCAGGAGACTTAAATTTGTATGTAATATTTCTGCATTGGAGAATTTCAACTATTAGTT[G>T]TTCACCATCTGTCTTCATTTCCTTCTTCAATGCAATCTTGATTTCTCCCATTACCTGAGT-3'
Protein context (NP_149015.2, residues 5015-5035): LKKEMKTDGE[Gln5025Lys]LIVEILQCRN